The following is an entry in ClinVar:

NM_006514.4(SCN10A):c.2774A>T (p.Lys925Ile)

Gene: SCN10A (sodium voltage-gated channel alpha subunit 10; minus strand). Cytogenetic location: 3p22.2.
Variant type: single nucleotide variant.
Coding change: c.2774A>T on transcript NM_006514.4 (MANE Select); coding-DNA position 2774, A replaced by T.
Protein change: p.Lys925Ile; replaces lysine 925 with isoleucine.
Molecular consequence: missense variant.
Genome position (GRCh38, 1-based): chr3:38,726,919, T>A on the plus strand (A>T on the coding strand, the complement: SCN10A is on the minus strand). VCF-style: chr3-38726919-T-A. GRCh37 (hg19) VCF-style: chr3-38768410-T-A.
Other names: c.2774A>T, p.Lys925Ile (NM_001293306.2); c.2480A>T, p.Lys827Ile (NM_001293307.2); short protein forms K925I, K827I.
Identifiers: ClinVar variation 4160537 (VCV004160537.1).

ClinVar aggregate classification (germline): Uncertain significance (1 of 4 stars; one submission).

Conditions:
Cardiovascular phenotype. Identifiers: MedGen CN230736.

Submission:

Ambry Genetics
Classification: Uncertain significance for Cardiovascular phenotype. Last evaluated: 2025-07-09. Review status: criteria provided, single submitter. Criteria: Ambry Variant Classification Scheme 2023. Collection method: clinical testing. Allele origin: germline.
Comment: The p.K925I variant (also known as c.2774A>T), located in coding exon 16 of the SCN10A gene, results from an A to T substitution at nucleotide position 2774. The lysine at codon 925 is replaced by isoleucine, an amino acid with dissimilar properties. This amino acid position is not well conserved in available vertebrate species. In addition, this alteration is predicted to be tolerated by in silico analysis. The evidence for this gene-disease relationship is limited; therefore, the clinical significance of this alteration is unclear.